The following is an entry in ClinVar:

NM_000059.4(BRCA2):c.6952C>A (p.Arg2318=)

Gene: BRCA2 (BRCA2 DNA repair associated; plus strand). Cytogenetic location: 13q13.1.
Variant type: single nucleotide variant.
Coding change: c.6952C>A on transcript NM_000059.4 (MANE Select); coding-DNA position 6952, C replaced by A.
Protein change: p.Arg2318=; no amino-acid change (arginine 2318 retained).
Molecular consequence: synonymous variant.
Genome position (GRCh38, 1-based): chr13:32,346,841, C>A. VCF-style: chr13-32346841-C-A. GRCh37 (hg19) VCF-style: chr13-32920978-C-A.
Identifiers: ClinVar variation 1172850 (VCV001172850.3), dbSNP rs80358920, ClinGen allele CA483275745.

ClinVar aggregate classification (germline): Likely benign. Review status: criteria provided, multiple submitters, no conflicts (2 of 4 stars). 2 submissions from 2 submitters: Likely benign (2). Last evaluated 2022-01-25.

Conditions:
Hereditary cancer-predisposing syndrome. Also called: Tumor predisposition; Hereditary neoplastic syndrome; Hereditary Cancer Syndrome; Neoplastic Syndromes, Hereditary. Identifiers: Orphanet 140162, MedGen C0027672, MeSH D009386, MONDO:0015356.

Submissions (2):

Ambry Genetics
Classification: Likely benign for Hereditary cancer-predisposing syndrome. Last evaluated: 2022-01-25. Review status: criteria provided, single submitter. Criteria: Ambry Variant Classification Scheme 2023. Collection method: clinical testing. Allele origin: germline.

Women's Health and Genetics/Laboratory Corporation of America, LabCorp
Classification: Likely benign. Last evaluated: 2021-05-27. Review status: criteria provided, single submitter. Criteria: LabCorp Variant Classification Summary - May 2015. Collection method: clinical testing. Allele origin: germline.
Comment: Variant summary: BRCA2 c.6952C>A alters a conserved nucleotide resulting in a synonymous change. 4/4 computational tools predict no significant impact on normal splicing. However, these predictions have yet to be confirmed by functional studies. The variant was absent in 249792 control chromosomes. The available data on variant occurrences in the general population are insufficient to allow any conclusion about variant significance. To our knowledge, no occurrence of c.6952C>A in individuals affected with Hereditary Breast And Ovarian Cancer Syndrome and no experimental evidence demonstrating its impact on protein function have been reported. No clinical diagnostic laboratories have submitted clinical-significance assessments for this variant to ClinVar after 2014. Based on the evidence outlined above, the variant was classified as likely benign.